The following is an entry in ClinVar:

NM_025137.4(SPG11):c.4384G>A (p.Ala1462Thr)

Gene: SPG11 (SPG11 vesicle trafficking associated, spatacsin; minus strand). Cytogenetic location: 15q21.1.
Variant type: single nucleotide variant.
Coding change: c.4384G>A on transcript NM_025137.4 (MANE Select); coding-DNA position 4384, G replaced by A.
Protein change: p.Ala1462Thr; replaces alanine 1462 with threonine.
Molecular consequence: missense variant.
Genome position (GRCh38, 1-based): chr15:44,596,133, C>T on the plus strand (G>A on the coding strand, the complement: SPG11 is on the minus strand). VCF-style: chr15-44596133-C-T. GRCh37 (hg19) VCF-style: chr15-44888331-C-T.
Other names: c.4384G>A, p.Ala1462Thr (NM_001160227.2); short protein forms A1462T.
Identifiers: ClinVar variation 1473799 (VCV001473799.8), dbSNP rs2140971741, ClinGen allele CA392227519.
Genomic context (GRCh38, chr15:44,596,133, plus strand): 5'-TGATCCTCACCTGGAGACATGAGGCCAGAACACTGAGGATAGGGGCCTGTTGTTTCACTG[C>T]TTCAACCAGAAGCCAGTGCCAGGAGTCTGGCTCCTCTGAGCATTGGAGCAGAATTTCAAA-3'
Protein context (NP_079413.3, residues 1452-1472): PDSWHWLLVE[Ala1462Thr]VKQQAPILSV

ClinVar aggregate classification (germline): Uncertain significance (1 of 4 stars; one submission).

Conditions:
Hereditary spastic paraplegia 11. Also called: Autosomal recessive hereditary spastic paraplegia, mental impairment, and thin corpus callosum; SPASTIC PARAPLEGIA, AUTOSOMAL RECESSIVE, COMPLICATED, WITH THIN CORPUS CALLOSUM; SPASTIC PARAPLEGIA, AUTOSOMAL RECESSIVE, WITH MENTAL IMPAIRMENT AND THIN CORPUS CALLOSUM; Spastic paraplegia, mental retardation and thin corpus callosum; Spastic Paraplegia 11; Nakamura Osame syndrome. Identifiers: Orphanet 2822, MedGen C1858479, MONDO:0011445, OMIM 604360.

Submission:

Labcorp Genetics (formerly Invitae), Labcorp
Classification: Uncertain significance for Hereditary spastic paraplegia 11. Last evaluated: 2021-01-20. Review status: criteria provided, single submitter. Criteria: Invitae Variant Classification Sherloc (09022015). Collection method: clinical testing. Allele origin: germline.
Comment: This sequence change replaces alanine with threonine at codon 1462 of the SPG11 protein (p.Ala1462Thr). The alanine residue is highly conserved and there is a small physicochemical difference between alanine and threonine. This variant is not present in population databases (ExAC no frequency). This variant has not been reported in the literature in individuals with SPG11-related conditions. Algorithms developed to predict the effect of missense changes on protein structure and function are either unavailable or do not agree on the potential impact of this missense change (SIFT: "Deleterious"; PolyPhen-2: "Probably Damaging"; Align-GVGD: "Class C0"). In summary, the available evidence is currently insufficient to determine the role of this variant in disease. Therefore, it has been classified as a Variant of Uncertain Significance.